The following is an entry in ClinVar:

NM_002519.3(NPAT):c.1447A>T (p.Ile483Leu)

Gene: NPAT (nuclear protein, coactivator of histone transcription; minus strand). Cytogenetic location: 11q22.3.
Variant type: single nucleotide variant.
Coding change: c.1447A>T on transcript NM_002519.3 (MANE Select); coding-DNA position 1447, A replaced by T.
Protein change: p.Ile483Leu; replaces isoleucine 483 with leucine.
Molecular consequence: missense variant.
Genome position (GRCh38, 1-based): chr11:108,173,537, T>A on the plus strand (A>T on the coding strand, the complement: NPAT is on the minus strand). VCF-style: chr11-108173537-T-A. GRCh37 (hg19) VCF-style: chr11-108044264-T-A.
Other names: c.1447A>T, p.Ile483Leu (NM_001321307.1); short protein forms I483L.
Identifiers: ClinVar variation 4693130 (VCV004693130.1).
Genomic context (GRCh38, chr11:108,173,537, plus strand): 5'-CAGGCTGTAACTGAGATTCACTCGGTACATTTGAAGACAAAGAGTTCTTTTCAATCCCTA[T>A]AGCCATTTCAGTTTCAGTGGACATCTGATTGGTGTATAATTCAGCACAATGTGGATTACA-3'
Protein context (NP_002510.2, residues 473-493): NQMSTETEMA[Ile483Leu]GIEKNSLSSN

ClinVar aggregate classification (germline): Uncertain significance (1 of 4 stars; one submission).

gnomAD v4.1: 4 of 1,614,102 alleles (0.00025%); highest among the groups gnomAD compares: Admixed American, 0.0067%; no homozygotes.

Submission:

Labcorp Genetics (formerly Invitae), Labcorp
Classification: Uncertain significance. Last evaluated: 2025-10-27. Review status: criteria provided, single submitter. Criteria: Invitae Variant Classification Sherloc (09022015). Collection method: clinical testing. Allele origin: germline.
Comment: This sequence change replaces isoleucine, which is neutral and non-polar, with leucine, which is neutral and non-polar, at codon 483 of the NPAT protein (p.Ile483Leu). This variant is not present in population databases (gnomAD no frequency). This variant has not been reported in the literature in individuals affected with NPAT-related conditions. An algorithm developed to predict the effect of missense changes on protein structure and function outputs the following: PolyPhen-2: "Benign". The leucine amino acid residue is found in multiple mammalian species, which suggests that this missense change does not adversely affect protein function. In summary, the available evidence is currently insufficient to determine the role of this variant in disease. Therefore, it has been classified as a Variant of Uncertain Significance.